The following is an entry in ClinVar:

ClinVar aggregate classification (germline): Uncertain significance (1 of 4 stars; one submission).

Submission:

GeneDx
Classification: Uncertain significance. Last evaluated: 2026-02-06. Review status: criteria provided, single submitter. Criteria: GeneDx Variant Classification Process June 2021. Collection method: clinical testing. Allele origin: germline.
Comment: Not observed at significant frequency in large population cohorts (gnomAD); In-frame deletion of 1 amino acid(s) in a non-repeat region; In silico analysis supports a deleterious effect on protein structure/function; Has not been previously published as pathogenic or benign to our knowledge

NM_001003699.4(RREB1):c.2193GAA[1] (p.Lys732del)

Gene: RREB1 (ras responsive element binding protein 1; plus strand). Cytogenetic location: 6p24.3.
Variant type: Microsatellite.
Coding change: c.2193GAA[1] on transcript NM_001003699.4 (MANE Select); one copy of the 3-base unit GAA starting at c.2193; the reference has two copies in a row; one copy, 3 bases deleted.
Protein change: p.Lys732del; deletes lysine 732.
Molecular consequence: inframe deletion.
Genome position (GRCh38, 1-based): chr6:7,230,295-7,230,297, GAA deleted; deleting any 3 consecutive bases within chr6:7,230,291-7,230,297 gives the same sequence; the position shown is the placement nearest the transcript's 3' end. VCF-style (leftmost placement, unchanged base first): chr6-7230290-GAGA-G. GRCh37 (hg19) VCF-style: chr6-7230523-GAGA-G.
Other names: c.2193GAA[1], p.Lys732del (NM_001003698.4, NM_001003700.2, NM_001168344.2); short protein forms K732del.
Identifiers: ClinVar variation 4976185 (VCV004976185.1).